The following is an entry in ClinVar:

NM_138370.3(PKDCC):c.590T>G (p.Leu197Arg)

Genes: PKDCC (protein kinase domain containing, cytoplasmic; plus strand), LOC129933566 (ATAC-STARR-seq lymphoblastoid active region 15635; plus strand). Cytogenetic location: 2p21.
Variant type: single nucleotide variant.
Coding change: c.590T>G on transcript NM_138370.3 (MANE Select); coding-DNA position 590, T replaced by G.
Protein change: p.Leu197Arg; replaces leucine 197 with arginine.
Molecular consequence: missense variant.
Genome position (GRCh38, 1-based): chr2:42,048,789, T>G. VCF-style: chr2-42048789-T-G. GRCh37 (hg19) VCF-style: chr2-42275929-T-G.
Other names: c.590T>G (NM_138370.2); short protein forms L197R.
Identifiers: ClinVar variation 1905060 (VCV001905060.4), dbSNP rs1558430603, ClinGen allele CA346623477.

ClinVar aggregate classification (germline): Uncertain significance. Review status: criteria provided, multiple submitters, no conflicts (2 of 4 stars). 2 submissions from 2 submitters: Uncertain significance (2). Last evaluated 2025-11-20.

Conditions:
Inborn genetic diseases. Identifiers: MedGen C0950123, MeSH D030342.

gnomAD v4.1: 8 of 1,504,832 alleles (0.00053%); highest among the groups gnomAD compares: Non-Finnish European, 0.00071%; no homozygotes.

Submissions (2):

Ambry Genetics
Classification: Uncertain significance for Inborn genetic diseases. Last evaluated: 2025-11-20. Review status: criteria provided, single submitter. Criteria: Ambry Variant Classification Scheme 2023. Collection method: clinical testing. Allele origin: germline.

Labcorp Genetics (formerly Invitae), Labcorp
Classification: Uncertain significance. Last evaluated: 2024-01-19. Review status: criteria provided, single submitter. Criteria: Invitae Variant Classification Sherloc (09022015). Collection method: clinical testing. Allele origin: germline.
Comment: This sequence change replaces leucine, which is neutral and non-polar, with arginine, which is basic and polar, at codon 197 of the PKDCC protein (p.Leu197Arg). This variant is not present in population databases (gnomAD no frequency). This variant has not been reported in the literature in individuals affected with PKDCC-related conditions. ClinVar contains an entry for this variant (Variation ID: 1905060). An algorithm developed to predict the effect of missense changes on protein structure and function (PolyPhen-2) suggests that this variant¬†is likely to be tolerated. In summary, the available evidence is currently insufficient to determine the role of this variant in disease. Therefore, it has been classified as a Variant of Uncertain Significance.